The following is an entry in ClinVar:

NM_000258.3(MYL3):c.6C>A (p.Ala2=)

Gene: MYL3 (myosin light chain 3; minus strand). Cytogenetic location: 3p21.31.
Variant type: single nucleotide variant.
Coding change: c.6C>A on transcript NM_000258.3 (MANE Select); coding-DNA position 6, C replaced by A.
Protein change: p.Ala2=; no amino-acid change (alanine 2 retained).
Molecular consequence: synonymous variant.
Genome position (GRCh38, 1-based): chr3:46,863,385, G>T on the plus strand (C>A on the coding strand, the complement: MYL3 is on the minus strand). VCF-style: chr3-46863385-G-T. GRCh37 (hg19) VCF-style: chr3-46904875-G-T.
Identifiers: ClinVar variation 921278 (VCV000921278.9), dbSNP rs971197044, ClinGen allele CA73782117.

ClinVar aggregate classification (germline): Likely benign. Review status: criteria provided, multiple submitters, no conflicts (2 of 4 stars). 4 submissions from 4 submitters: Likely benign (4). Last evaluated 2026-06-09.

Conditions:
Cardiovascular phenotype. Identifiers: MedGen CN230736.
Cardiomyopathy (CMYO). Also called: Cardiomyopathies. Identifiers: Orphanet 167848, MedGen C0878544, MONDO:0004994, HP:0001638. Inheritance: Various modes of inheritance.
Hypertrophic cardiomyopathy. Also called: HYPERTROPHIC MYOCARDIOPATHY. Identifiers: Orphanet 217569, MedGen C0007194, MeSH D002312, MONDO:0005045, HP:0001639.

Allele frequency attached by ClinVar (database versions not stated): TOPMed 0.00001; gnomAD exomes 0.00001.
gnomAD v4.1: 3 of 1,613,224 alleles (0.00019%); highest among the groups gnomAD compares: Admixed American, 0.0033%; no homozygotes.

Submissions (4):

Ambry Genetics
Classification: Likely benign for Cardiovascular phenotype. Last evaluated: 2026-06-09. Review status: criteria provided, single submitter. Criteria: Ambry Variant Classification Scheme 2023. Collection method: clinical testing. Allele origin: germline.

Labcorp Genetics (formerly Invitae), Labcorp
Classification: Likely benign for Hypertrophic cardiomyopathy. Last evaluated: 2024-12-25. Review status: criteria provided, single submitter. Criteria: Invitae Variant Classification Sherloc (09022015). Collection method: clinical testing. Allele origin: germline.

All of Us Research Program, National Institutes of Health
Classification: Likely benign for Hypertrophic cardiomyopathy. Last evaluated: 2023-08-15. Review status: criteria provided, single submitter. Criteria: ACMG Guidelines, 2015. Collection method: clinical testing. Allele origin: germline. Inheritance: Autosomal dominant inheritance. Observed: 2 variant alleles, 2 heterozygotes.
Comment: This study involves interpretation of variants in research participants for the purpose of population health screening. Participant phenotype was not available at the time of variant classification. Additional details can be found in publication PMID: 35346344, PMCID: PMC8962531

Color Diagnostics, LLC DBA Color Health
Classification: Likely benign for Cardiomyopathy. Last evaluated: 2019-03-22. Review status: criteria provided, single submitter. Criteria: ACMG Guidelines, 2015. Collection method: clinical testing. Allele origin: germline.